The following is an entry in ClinVar:

ClinVar aggregate classification (germline): Uncertain significance (1 of 4 stars; one submission).

Submission:

GeneDx
Classification: Uncertain significance. Last evaluated: 2024-01-10. Review status: criteria provided, single submitter. Criteria: GeneDx Variant Classification Process June 2021. Collection method: clinical testing. Allele origin: germline. Affected: yes.
Comment: Not observed at significant frequency in large population cohorts (gnomAD); In silico analysis supports that this missense variant has a deleterious effect on protein structure/function; Has not been previously published as pathogenic or benign to our knowledge; Variants in candidate genes are classified as variants of uncertain significance in accordance with ACMG guidelines (PMID: 25741868)

NM_001128.6(AP1G1):c.1355A>G (p.His452Arg)

Gene: AP1G1 (adaptor related protein complex 1 subunit gamma 1; minus strand). Cytogenetic location: 16q22.2.
Variant type: single nucleotide variant.
Coding change: c.1355A>G on transcript NM_001128.6 (MANE Select); coding-DNA position 1355, A replaced by G.
Protein change: p.His452Arg; replaces histidine 452 with arginine.
Molecular consequence: missense variant.
Genome position (GRCh38, 1-based): chr16:71,750,262, T>C on the plus strand (A>G on the coding strand, the complement: AP1G1 is on the minus strand). VCF-style: chr16-71750262-T-C. GRCh37 (hg19) VCF-style: chr16-71784165-T-C.
Other names: c.1364A>G, p.His455Arg (NM_001030007.2); short protein forms H452R, H455R.
Identifiers: ClinVar variation 3367811 (VCV003367811.1).